The following is an entry in ClinVar:

ClinVar aggregate classification (germline): Likely benign. Review status: criteria provided, multiple submitters, no conflicts (2 of 4 stars). 4 submissions from 4 submitters: Likely benign (4). Last evaluated 2026-06-30.

Conditions:
Dilated cardiomyopathy 1W (CMD1W). Identifiers: Orphanet 154, MedGen C1969639, MONDO:0012667, OMIM 611407.

Allele frequency attached by ClinVar (database versions not stated): gnomAD 0.00006; gnomAD exomes 0.00007; TOPMed 0.00014; ExAC 0.00024.
gnomAD v4.1: 40 of 1,458,512 alleles (0.0027%); highest among the groups gnomAD compares: African/African-American, 0.036%; no homozygotes.

Submissions (4):

Women's Health and Genetics/Laboratory Corporation of America, LabCorp
Classification: Likely benign. Last evaluated: 2026-06-30. Review status: criteria provided, single submitter. Criteria: LabCorp Variant Classification Summary - May 2015. Collection method: clinical testing. Allele origin: germline.
Comment: Variant summary: VCL c.168+20C>A alters a non-conserved nucleotide located at a position not widely known to affect splicing. Consensus agreement among computation tools predict no significant impact on normal splicing. However, these predictions have yet to be confirmed by functional studies. The variant allele was found at a frequency of 7.1e-05 in 70166 control chromosomes. The available data on variant occurrences in the general population are insufficient to allow any conclusion about variant significance. To our knowledge, no occurrence of c.168+20C>A in individuals affected with VCL-related conditions and no experimental evidence demonstrating its impact on protein function have been reported. ClinVar contains an entry for this variant (Variation ID: 383287). Based on the evidence outlined above, the variant was classified as likely benign.

Labcorp Genetics (formerly Invitae), Labcorp
Classification: Likely benign for Dilated cardiomyopathy 1W. Last evaluated: 2025-12-23. Review status: criteria provided, single submitter. Criteria: Invitae Variant Classification Sherloc (09022015). Collection method: clinical testing. Allele origin: germline.

Blueprint Genetics
Classification: Likely benign. Last evaluated: 2024-11-26. Review status: criteria provided, single submitter. Criteria: ACMG Guidelines, 2015. Collection method: clinical testing. Allele origin: germline.

GeneDx
Classification: Likely benign. Last evaluated: 2016-10-11. Review status: criteria provided, single submitter. Criteria: GeneDx Variant Classification (06012015). Collection method: clinical testing. Allele origin: germline. Affected: yes.
Comment: This variant is considered likely benign or benign based on one or more of the following criteria: it is a conservative change, it occurs at a poorly conserved position in the protein, it is predicted to be benign by multiple in silico algorithms, and/or has population frequency not consistent with disease.

NM_014000.3(VCL):c.168+20C>A

Gene: VCL (vinculin; plus strand). Cytogenetic location: 10q22.2.
Variant type: single nucleotide variant.
Coding change: c.168+20C>A on transcript NM_014000.3 (MANE Select); 20 bases into the intron after coding-DNA position 168, C replaced by A.
Molecular consequence: intron variant.
Genome position (GRCh38, 1-based): chr10:73,998,395, C>A. VCF-style: chr10-73998395-C-A. GRCh37 (hg19) VCF-style: chr10-75758153-C-A.
Other names: c.168+20C>A (NM_003373.4).
Identifiers: ClinVar variation 383287 (VCV000383287.10), dbSNP rs368934323, ClinGen allele CA5562710.